The following is an entry in ClinVar:

NM_004260.4(RECQL4):c.2036C>G (p.Ser679Cys)

Gene: RECQL4 (RecQ like helicase 4; minus strand). Cytogenetic location: 8q24.3.
Variant type: single nucleotide variant.
Coding change: c.2036C>G on transcript NM_004260.4 (MANE Select); coding-DNA position 2036, C replaced by G.
Protein change: p.Ser679Cys; replaces serine 679 with cysteine.
Molecular consequence: missense variant. On other transcripts: non-coding transcript variant (3).
Genome position (GRCh38, 1-based): chr8:144,513,950, G>C on the plus strand (C>G on the coding strand, the complement: RECQL4 is on the minus strand). VCF-style: chr8-144513950-G-C. GRCh37 (hg19) VCF-style: chr8-145739334-G-C.
Other names: c.1904C>G, p.Ser635Cys (NM_001413033.1); c.965C>G, p.Ser322Cys (NM_001413034.1, NM_001413035.1, NM_001413021.1 and 6 more transcripts); c.2036C>G, p.Ser679Cys (NM_001413036.1, NM_001413018.1, NM_001413019.1); c.767C>G, p.Ser256Cys (NM_001413031.1); c.899C>G, p.Ser300Cys (NM_001413032.1, NM_001413027.1, NM_001413030.1 and 1 more transcripts); c.1940C>G, p.Ser647Cys (NM_001413017.1, NM_001413020.1); c.1907C>G, p.Ser636Cys (NM_001413025.1); c.1685C>G, p.Ser562Cys (NM_001413029.1); and 4 more; short protein forms S190C, S256C, S278C, S669C, S562C, S647C, S679C, S312C.
Identifiers: ClinVar variation 3700436 (VCV003700436.2).
Genomic context (GRCh38, chr8:144,513,950, plus strand): 5'-CCAGGGCCCTGCAGGGTCCCCAGAGCACACACACCCACCTGGTCTGTGTCCCTGTCCATG[G>C]ACACGGAAAGGTGCAGGTTGGTGGGAACTGGGGCTGGCCCGTGGAGGTCAGGCTCTTCAG-3'
Protein context (NP_004251.4, residues 669-689): PVPTNLHLSV[Ser679Cys]MDRDTDQALL

ClinVar aggregate classification (germline): Uncertain significance (1 of 4 stars; one submission).

Conditions:
Baller-Gerold syndrome (BGS). Also called: CRANIOSYNOSTOSIS WITH RADIAL DEFECTS. Identifiers: Orphanet 1225, MedGen C0265308, MONDO:0009039, OMIM 218600.

Submission:

Labcorp Genetics (formerly Invitae), Labcorp
Classification: Uncertain significance for Baller-Gerold syndrome. Last evaluated: 2024-09-02. Review status: criteria provided, single submitter. Criteria: Invitae Variant Classification Sherloc (09022015). Collection method: clinical testing. Allele origin: germline.
Comment: This sequence change replaces serine, which is neutral and polar, with cysteine, which is neutral and slightly polar, at codon 679 of the RECQL4 protein (p.Ser679Cys). This variant is not present in population databases (gnomAD no frequency). This variant has not been reported in the literature in individuals affected with RECQL4-related conditions. Invitae Evidence Modeling of protein sequence and biophysical properties (such as structural, functional, and spatial information, amino acid conservation, physicochemical variation, residue mobility, and thermodynamic stability) indicates that this missense variant is expected to disrupt RECQL4 protein function with a positive predictive value of 80%. In summary, the available evidence is currently insufficient to determine the role of this variant in disease. Therefore, it has been classified as a Variant of Uncertain Significance.